The following is an entry in ClinVar:

ClinVar aggregate classification (germline): Conflicting classifications of pathogenicity. Review status: criteria provided, conflicting classifications (1 of 4 stars). 5 submissions from 5 submitters: Uncertain significance (1); Likely benign (4). Last evaluated 2025-09-24.

Conditions:
Episodic ataxia type 2 (EA2). Also called: ACETAZOLAMIDE-RESPONSIVE HEREDITARY PAROXYSMAL CEREBELLAR ATAXIA; ATAXIA, EPISODIC, WITH NYSTAGMUS; ATAXIA, FAMILIAL PAROXYSMAL; CEREBELLAR ATAXIA, PAROXYSMAL, ACETAZOLAMIDE-RESPONSIVE; CEREBELLOPATHY, HEREDITARY PAROXYSMAL; EPISODIC ATAXIA, NYSTAGMUS-ASSOCIATED. Identifiers: Orphanet 97, MedGen C1720416, MONDO:0007163, OMIM 108500.
Developmental and epileptic encephalopathy, 42 (DEE42A). Also called: EPILEPTIC ENCEPHALOPATHY, EARLY INFANTILE, 42A; Epileptic encephalopathy, early infantile, 42; DEVELOPMENTAL AND EPILEPTIC ENCEPHALOPATHY 42A. Identifiers: MedGen C4310716, MONDO:0014917, OMIM 617106.
CACNA1A-related disorder. Also called: CACNA1A-related condition.
Inborn genetic diseases. Identifiers: MedGen C0950123, MeSH D030342.

Allele frequency attached by ClinVar (database versions not stated): gnomAD 0.00002 and 0.00003; TOPMed 0.00003; ESP Exome Variant Server 0.00008; gnomAD exomes 0.00009; ExAC 0.00010.
gnomAD v4.1: 86 of 1,613,436 alleles (0.0053%); highest among the groups gnomAD compares: South Asian, 0.022%; no homozygotes.

Submissions (5):

Labcorp Genetics (formerly Invitae), Labcorp
Classification: Likely benign for Developmental and epileptic encephalopathy, 42; Episodic ataxia type 2. Last evaluated: 2025-09-24. Review status: criteria provided, single submitter. Criteria: Invitae Variant Classification Sherloc (09022015). Collection method: clinical testing. Allele origin: germline.

CeGaT Center for Human Genetics Tuebingen
Classification: Likely benign. Last evaluated: 2025-01-01. Review status: criteria provided, single submitter. Criteria: CeGaT Center For Human Genetics Tuebingen Variant Classification Criteria Version 2. Collection method: clinical testing. Allele origin: germline. Affected: yes. Observed: 3 variant alleles.
Comment: CACNA1A: BP4, BP7

PreventionGenetics, part of Exact Sciences
Classification: Uncertain significance for CACNA1A-related condition. Last evaluated: 2023-03-17. Review status: criteria provided, single submitter. Criteria: ACMG Guidelines, 2015. Collection method: clinical testing. Allele origin: germline.
Comment: The CACNA1A c.3228G>A variant is not predicted to result in an amino acid change (p.=). This variant is predicted to create a cryptic splice acceptor site (Alamut Visual Plus v1.6.1). To our knowledge, this variant has not been reported in the literature. This variant is reported in 0.023% of alleles in individuals of Latino descent in gnomAD. At this time, the clinical significance of this variant is uncertain due to the absence of conclusive functional and genetic evidence.

Ambry Genetics
Classification: Likely benign for Inborn genetic diseases. Last evaluated: 2019-05-04. Review status: criteria provided, single submitter. Criteria: Ambry Variant Classification Scheme 2023. Collection method: clinical testing. Allele origin: germline.

Athena Diagnostics
Classification: Likely benign. Last evaluated: 2018-10-18. Review status: criteria provided, single submitter. Criteria: Athena Diagnostics Criteria. Collection method: clinical testing. Allele origin: germline.

NM_001127222.2(CACNA1A):c.3228G>A (p.Ala1076=)

Gene: CACNA1A (calcium voltage-gated channel subunit alpha1 A; minus strand). Cytogenetic location: 19p13.13.
Variant type: single nucleotide variant.
Coding change: c.3228G>A on transcript NM_001127222.2 (MANE Select); coding-DNA position 3228, G replaced by A.
Protein change: p.Ala1076=; no amino-acid change (alanine 1076 retained).
Molecular consequence: synonymous variant.
Genome position (GRCh38, 1-based): chr19:13,286,828, C>T on the plus strand (G>A on the coding strand, the complement: CACNA1A is on the minus strand). VCF-style: chr19-13286828-C-T. GRCh37 (hg19) VCF-style: chr19-13397642-C-T.
Other names: c.3240G>A, p.Ala1080= (NM_000068.4, NM_023035.3); c.3231G>A, p.Ala1077= (NM_001127221.2, NM_001174080.2); c.3228G>A (NM_001127222.1).
Identifiers: ClinVar variation 804603 (VCV000804603.43), dbSNP rs373678395, ClinGen allele CA9240383.